The following is an entry in ClinVar:

ClinVar aggregate classification (germline): Conflicting classifications of pathogenicity. Review status: criteria provided, conflicting classifications (1 of 4 stars). 5 submissions from 5 submitters: Likely pathogenic (1); Uncertain significance (3). 1 of the submissions does not count toward it. Last evaluated 2025-12-22.

Conditions:
Walker-Warburg congenital muscular dystrophy. Also called: Muscular dystrophy-dystroglycanopathy, type A; Walker-Warburg syndrome. Identifiers: Orphanet 899, MedGen C0265221, MONDO:0000171.
Autosomal recessive limb-girdle muscular dystrophy type 2I. Also called: MUSCULAR DYSTROPHY-DYSTROGLYCANOPATHY (LIMB-GIRDLE), TYPE C, 5; MUSCULAR DYSTROPHY, LIMB-GIRDLE, TYPE 2I; MUSCULAR DYSTROPHY-DYSTROGLYCANOPATHY, LIMB-GIRDLE, FRKP-RELATED. Identifiers: Orphanet 34515, MedGen C1846672, MONDO:0011787, OMIM 607155.
Cardiovascular phenotype. Identifiers: MedGen CN230736.

Allele frequency attached by ClinVar (database versions not stated): gnomAD exomes 0.00001 and 0.00006; TOPMed 0.00001; ExAC 0.00002.

Submissions (5):

Labcorp Genetics (formerly Invitae), Labcorp
Classification: Likely pathogenic for Walker-Warburg congenital muscular dystrophy. Last evaluated: 2025-12-22. Review status: criteria provided, single submitter. Criteria: Invitae Variant Classification Sherloc (09022015). Collection method: clinical testing. Allele origin: germline.
Comment: This sequence change replaces serine, which is neutral and polar, with leucine, which is neutral and non-polar, at codon 211 of the FKRP protein (p.Ser211Leu). This variant is present in population databases (rs750041378, gnomAD 0.04%). This missense change has been observed in individuals with FKRP-related conditions (internal data). ClinVar contains an entry for this variant (Variation ID: 290094). Invitae Evidence Modeling of protein sequence and biophysical properties (such as structural, functional, and spatial information, amino acid conservation, physicochemical variation, residue mobility, and thermodynamic stability) indicates that this missense variant is expected to disrupt FKRP protein function with a positive predictive value of 80%. In summary, the currently available evidence indicates that the variant is pathogenic, but additional data are needed to prove that conclusively. Therefore, this variant has been classified as Likely Pathogenic.

Ambry Genetics
Classification: Uncertain significance for Cardiovascular phenotype. Last evaluated: 2025-04-03. Review status: criteria provided, single submitter. Criteria: Ambry Variant Classification Scheme 2023. Collection method: clinical testing. Allele origin: germline.

Revvity Omics, Revvity
Classification: Uncertain significance. Last evaluated: 2023-09-06. Review status: criteria provided, single submitter. Criteria: ACMG Guidelines, 2015. Collection method: clinical testing. Allele origin: germline.

Eurofins Ntd Llc (ga)
Classification: Uncertain significance. Last evaluated: 2017-05-26. Review status: criteria provided, single submitter. Criteria: EGL Classification Definitions 2015. Collection method: clinical testing. Allele origin: germline. Observed: 3 variant alleles, 2 heterozygotes, 1 homozygote.

Natera, Inc.
Classification: Uncertain significance for Limb-girdle muscular dystrophy type 2I. Last evaluated: 2020-07-09. Review status: no assertion criteria provided. Collection method: clinical testing. Allele origin: germline. Not counted in ClinVar's aggregate classification.

NM_024301.5(FKRP):c.632C>T (p.Ser211Leu)

Gene: FKRP (fukutin related protein; plus strand). Cytogenetic location: 19q13.32.
Variant type: single nucleotide variant.
Coding change: c.632C>T on transcript NM_024301.5 (MANE Select); coding-DNA position 632, C replaced by T.
Protein change: p.Ser211Leu; replaces serine 211 with leucine.
Molecular consequence: missense variant.
Genome position (GRCh38, 1-based): chr19:46,756,082, C>T. VCF-style: chr19-46756082-C-T. GRCh37 (hg19) VCF-style: chr19-47259339-C-T.
Other names: c.632C>T, p.Ser211Leu (NM_001039885.3); short protein forms S211L.
Identifiers: ClinVar variation 290094 (VCV000290094.18), dbSNP rs750041378, ClinGen allele CA9532181.